The following is an entry in ClinVar:

NM_001080467.3(MYO5B):c.851A>G (p.Asp284Gly)

Gene: MYO5B (myosin VB; minus strand). Cytogenetic location: 18q21.1.
Variant type: single nucleotide variant.
Coding change: c.851A>G on transcript NM_001080467.3 (MANE Select); coding-DNA position 851, A replaced by G.
Protein change: p.Asp284Gly; replaces aspartic acid 284 with glycine.
Molecular consequence: missense variant.
Genome position (GRCh38, 1-based): chr18:49,984,813, T>C on the plus strand (A>G on the coding strand, the complement: MYO5B is on the minus strand). VCF-style: chr18-49984813-T-C. GRCh37 (hg19) VCF-style: chr18-47511183-T-C.
Other names: short protein forms D284G.
Identifiers: ClinVar variation 1501678 (VCV001501678.5), dbSNP rs2144300329, ClinGen allele CA402436640.
Genomic context (GRCh38, chr18:49,984,813, plus strand): 5'-TCCTCAGCATCGTCCACACCCTCGATGGAAGTGTCTCCTCCCTGTGATGTATAGAAAAAG[T>C]CCTCTGCACTTGCTGTGGGAGGCGAGGAAATAAGGCATGAGGCACTGGAGGACACTTCAT-3'
Protein context (NP_001073936.1, residues 274-294): FKELALTSAE[Asp284Gly]FFYTSQGGDT

ClinVar aggregate classification (germline): Uncertain significance (1 of 4 stars; one submission).

Submission:

Labcorp Genetics (formerly Invitae), Labcorp
Classification: Uncertain significance. Last evaluated: 2022-06-20. Review status: criteria provided, single submitter. Criteria: Invitae Variant Classification Sherloc (09022015). Collection method: clinical testing. Allele origin: germline.
Comment: This sequence change replaces aspartic acid, which is acidic and polar, with glycine, which is neutral and non-polar, at codon 284 of the MYO5B protein (p.Asp284Gly). This variant is not present in population databases (gnomAD no frequency). This variant has not been reported in the literature in individuals affected with MYO5B-related conditions. Algorithms developed to predict the effect of missense changes on protein structure and function are either unavailable or do not agree on the potential impact of this missense change (SIFT: "Deleterious"; PolyPhen-2: "Probably Damaging"; Align-GVGD: "Class C0"). In summary, the available evidence is currently insufficient to determine the role of this variant in disease. Therefore, it has been classified as a Variant of Uncertain Significance.